The following is an entry in ClinVar:

ClinVar aggregate classification (germline): Likely benign. Review status: criteria provided, single submitter (1 of 4 stars). 2 submissions from 2 submitters: Likely benign (1). 1 of the submissions does not count toward it. Last evaluated 2023-03-01.

Conditions:
FAT3-related disorder. Also called: FAT3-related condition.

Allele frequency attached by ClinVar (database versions not stated): 1000 Genomes Project 0.00240; ExAC 0.00257; 1000 Genomes Project 30x 0.00281; gnomAD 0.00318; ESP Exome Variant Server 0.00382; TOPMed 0.00400; gnomAD exomes 0.00429.
gnomAD v4.1: 6,784 of 1,612,444 alleles (0.42%); highest among the groups gnomAD compares: Admixed American, 0.57%; 22 homozygotes.

Submissions (2):

CeGaT Center for Human Genetics Tuebingen
Classification: Likely benign. Last evaluated: 2023-03-01. Review status: criteria provided, single submitter. Criteria: CeGaT Center For Human Genetics Tuebingen Variant Classification Criteria Version 2. Collection method: clinical testing. Allele origin: germline. Affected: yes. Observed: 2 variant alleles.
Comment: FAT3: BP4, BS2

PreventionGenetics, part of Exact Sciences
Classification: Likely benign for FAT3-related condition. Last evaluated: 2019-07-16. Review status: no assertion criteria provided. Collection method: clinical testing. Allele origin: germline. Not counted in ClinVar's aggregate classification.
Comment: This variant is classified as likely benign based on ACMG/AMP sequence variant interpretation guidelines (Richards et al. 2015 PMID: 25741868, with internal and published modifications).

NM_001367949.2(FAT3):c.345C>T (p.Ala115=)

Gene: FAT3 (FAT atypical cadherin 3; plus strand). Cytogenetic location: 11q14.3.
Variant type: single nucleotide variant.
Coding change: c.345C>T on transcript NM_001367949.2 (MANE Select); coding-DNA position 345, C replaced by T.
Protein change: p.Ala115=; no amino-acid change (alanine 115 retained).
Molecular consequence: synonymous variant.
Genome position (GRCh38, 1-based): chr11:92,352,457, C>T. VCF-style: chr11-92352457-C-T. GRCh37 (hg19) VCF-style: chr11-92085623-C-T.
Other names: c.345C>T, p.Ala115= (NM_001008781.3, NM_001378141.1); c.345C>T (NM_001008781.2).
Identifiers: ClinVar variation 2642266 (VCV002642266.25), dbSNP rs76685441, ClinGen allele CA6226099.